The following is an entry in ClinVar:

ClinVar aggregate classification (germline): Uncertain significance (1 of 4 stars; one submission).

gnomAD v4.1: 4 of 1,208,666 alleles (0.00033%); highest among the groups gnomAD compares: Non-Finnish European, 0.00045%; no homozygotes.

Submission:

GeneDx
Classification: Uncertain significance. Last evaluated: 2023-06-29. Review status: criteria provided, single submitter. Criteria: GeneDx Variant Classification Process June 2021. Collection method: clinical testing. Allele origin: germline. Affected: yes.
Comment: Not observed at significant frequency in large population cohorts (gnomAD); In silico analysis supports that this missense variant has a deleterious effect on protein structure/function; Has not been previously published as pathogenic or benign to our knowledge

NM_001291415.2(KDM6A):c.3500C>T (p.Ala1167Val)

Gene: KDM6A (lysine demethylase 6A; plus strand). Cytogenetic location: Xp11.3.
Variant type: single nucleotide variant.
Coding change: c.3500C>T on transcript NM_001291415.2 (MANE Select); coding-DNA position 3500, C replaced by T.
Protein change: p.Ala1167Val; replaces alanine 1167 with valine.
Molecular consequence: missense variant. On other transcripts: non-coding transcript variant (1).
Genome position (GRCh38, 1-based): chrX:45,083,519, C>T. VCF-style: chrX-45083519-C-T. GRCh37 (hg19) VCF-style: chrX-44942764-C-T.
Other names: c.3365C>T, p.Ala1122Val (NM_001291416.2, NM_001419811.1); c.3209C>T, p.Ala1070Val (NM_001291417.2); c.3107C>T, p.Ala1036Val (NM_001291418.2, NM_001419815.1); c.2456C>T, p.Ala819Val (NM_001291421.2); c.3242C>T, p.Ala1081Val (NM_001410742.1, NM_001419814.1); c.3500C>T, p.Ala1167Val (NM_001419809.1); c.3398C>T, p.Ala1133Val (NM_001419810.1, NM_001419813.1); c.3344C>T, p.Ala1115Val (NM_001419812.1, NM_021140.4); short protein forms A1036V, A1070V, A1081V, A1115V, A1122V, A1133V, A1167V, A819V.
Identifiers: ClinVar variation 3360589 (VCV003360589.1).